The following is an entry in ClinVar:

ClinVar aggregate classification (germline): Benign/Likely benign. Review status: criteria provided, multiple submitters, no conflicts (2 of 4 stars). 8 submissions from 7 submitters: Benign (4); Likely benign (2). 2 of the submissions do not count toward it. Last evaluated 2026-02-02.

Conditions:
Lymphangiomyomatosis (LAM). Also called: Lymphangioleiomyomatosis; Lymphangioleiomyomatosis, somatic. Identifiers: Orphanet 538, MedGen C0751674, MONDO:0011705, OMIM 606690.
Isolated focal cortical dysplasia type II (FCORD2). Also called: CORTICAL DYSPLASIA OF TAYLOR; Focal cortical dysplasia type II. Identifiers: Orphanet 268994, MedGen C1846385, MONDO:0011818, OMIM 607341, HP:0032051.
Tuberous sclerosis 2 (TSC2). Identifiers: Orphanet 805, MedGen C1860707, MONDO:0013199, OMIM 613254.
Tuberous sclerosis syndrome (TSC). Also called: Tuberous Sclerosis Complex; Tuberous sclerosis. Identifiers: Orphanet 805, MedGen C0041341, MONDO:0001734.

Submissions (8):

Labcorp Genetics (formerly Invitae), Labcorp
Classification: Benign for Tuberous sclerosis 2. Last evaluated: 2026-02-02. Review status: criteria provided, single submitter. Criteria: Invitae Variant Classification Sherloc (09022015). Collection method: clinical testing. Allele origin: germline.

Color Diagnostics, LLC DBA Color Health
Classification: Benign for Tuberous sclerosis syndrome. Last evaluated: 2025-05-13. Review status: criteria provided, single submitter. Criteria: ACMG Guidelines, 2015. Collection method: clinical testing. Allele origin: germline.

Mayo Clinic Laboratories, Mayo Clinic
Classification: Benign. Last evaluated: 2025-04-01. Review status: criteria provided, single submitter. Criteria: ACMG Guidelines, 2015. Collection method: clinical testing. Allele origin: germline. Observed: 3 variant alleles.
Comment: BS1, BS2

Blueprint Genetics
Classification: Likely benign. Last evaluated: 2024-11-25. Review status: criteria provided, single submitter. Criteria: ACMG Guidelines, 2015. Collection method: clinical testing. Allele origin: germline.

CeGaT Center for Human Genetics Tuebingen
Classification: Benign. Last evaluated: 2024-03-01. Review status: criteria provided, single submitter. Criteria: CeGaT Center For Human Genetics Tuebingen Variant Classification Criteria Version 2. Collection method: clinical testing. Allele origin: germline. Affected: yes. Observed: 1 variant allele.
Comment: TSC2: PP3, BS1, BS2

Department of Pathology and Laboratory Medicine, Sinai Health System
Classification: Likely benign for Lymphangiomyomatosis; Isolated focal cortical dysplasia type II; Tuberous sclerosis 2. Last evaluated: 2023-05-08. Review status: criteria provided, single submitter. Criteria: ACMG Guidelines, 2015. Collection method: research. Allele origin: germline.

Tuberous sclerosis database (TSC2)
No classification provided. Condition: TSC. Review status: no classification provided. Criteria: Tuberous Sclerosis Database Assertion Criteria 2015. Collection method: curation. Allele origin: germline. Affected: yes. Not counted in ClinVar's aggregate classification.

Tuberous sclerosis database (TSC2)
No classification provided. Condition: TSC. Review status: flagged submission. Criteria: Tuberous Sclerosis Database Assertion Criteria 2015. Collection method: curation. Allele origin: germline. Affected: yes. Not counted in ClinVar's aggregate classification.
ClinVar note: Reason: This record appears to be redundant with a more recent record from the same submitter.
ClinVar note: Notes: SCV000066927 appears to be redundant with SCV000067097.

NM_000548.3(TSC2):c.5068+27_5069-47dup34

Gene: TSC2 (TSC complex subunit 2; plus strand). Cytogenetic location: 16p13.3.
Variant type: Microsatellite.
Coding change: c.5068+27_5069-47dup34 on transcript NM_000548.3; 27 bases into the intron after coding-DNA position 5068 through 47 bases into the intron before coding-DNA position 5069, 34 bases duplicated.
Genome position (GRCh38, 1-based): chr16:2,087,968-2,088,001, 34 bases duplicated; duplicating any 34 consecutive bases within chr16:2,087,924-2,088,001 gives the same sequence; the c. name uses the placement nearest the transcript's 3' end. GRCh37 (hg19), VCF-style position (the base before the change): chr16:2,137,924.
Other names: LRG_487:g.43629_43662CAGGAAAGGTAGGGCCGGGTGGGGCCCTGCAGTG[3]; p.Asp1690Glyfs*27; c.5068+20_5068+53dup (LRG_487t1); c.5068+27_5069-47dup (NM_000548.5).
Identifiers: ClinVar variation 49862 (VCV000049862.32), ClinGen allele CA262965.
Genomic context (GRCh38, chr16:2,087,923, plus strand): 5'-GGCCAGTTCAACTTTGTCCACGTGATCGTCACCCCGCTGGACTACGAGTGCAACCTGGTG[T>TCCCTGCAGTGCAGGAAAGGTAGGGCCGGGTGGGG]CCCTGCAGTGCAGGAAAGGTAGGGCCGGGTGGGGCCCTGCAGTGCAGGAAAGGTAGGGCC-3'